The following is an entry in ClinVar:

ClinVar aggregate classification (germline): Uncertain significance. Review status: criteria provided, multiple submitters, no conflicts (2 of 4 stars). 2 submissions from 2 submitters: Uncertain significance (2). Last evaluated 2025-10-03.

Conditions:
Inborn genetic diseases. Identifiers: MedGen C0950123, MeSH D030342.

Allele frequency attached by ClinVar (database versions not stated): TOPMed below 0.00001; ExAC 0.00001; gnomAD 0.00001; gnomAD exomes 0.00001.
gnomAD v4.1: 11 of 1,612,348 alleles (0.00068%); highest among the groups gnomAD compares: Non-Finnish European, 0.00085%; no homozygotes.

Submissions (2):

GeneDx
Classification: Uncertain significance. Last evaluated: 2025-10-03. Review status: criteria provided, single submitter. Criteria: GeneDx Variant Classification Process June 2021. Collection method: clinical testing. Allele origin: germline. Affected: yes.
Comment: Not observed at significant frequency in large population cohorts (gnomAD); In silico analysis suggests that this missense variant does not alter protein structure/function; Has not been previously published as pathogenic or benign to our knowledge

Ambry Genetics
Classification: Uncertain significance for Inborn genetic diseases. Last evaluated: 2024-11-10. Review status: criteria provided, single submitter. Criteria: Ambry Variant Classification Scheme 2023. Collection method: clinical testing. Allele origin: germline.

NM_001164508.2(NEB):c.1928A>G (p.Lys643Arg)

Gene: NEB (nebulin; minus strand). Cytogenetic location: 2q23.3.
Variant type: single nucleotide variant.
Coding change: c.1928A>G on transcript NM_001164508.2 (MANE Select); coding-DNA position 1928, A replaced by G.
Protein change: p.Lys643Arg; replaces lysine 643 with arginine.
Molecular consequence: missense variant.
Genome position (GRCh38, 1-based): chr2:151,692,331, T>C on the plus strand (A>G on the coding strand, the complement: NEB is on the minus strand). VCF-style: chr2-151692331-T-C. GRCh37 (hg19) VCF-style: chr2-152548845-T-C.
Other names: c.1928A>G (NM_004543.4); c.1928A>G, p.Lys643Arg (NM_001164507.2, NM_001271208.2, NM_004543.5); short protein forms K643R.
Identifiers: ClinVar variation 2501354 (VCV002501354.3), dbSNP rs779280272, ClinGen allele CA1911390.